The following is an entry in ClinVar:

ClinVar aggregate classification (germline): Benign (3 of 4 stars; one submission).

Conditions:
Breast-ovarian cancer, familial, susceptibility to, 2 (BROVCA2). Also called: BRCA2 Hereditary Breast and Ovarian Cancer. Identifiers: Orphanet 145, MedGen C2675520, MONDO:0012933, OMIM 612555. Disease mechanism: loss of function.

Allele frequency attached by ClinVar (database versions not stated): 1000 Genomes Project 0.00679; gnomAD 0.00724 and 0.00791; 1000 Genomes Project 30x 0.00734; TOPMed 0.00804.
gnomAD v4.1: 1,095 of 152,328 alleles (0.72%); highest among the groups gnomAD compares: African/African-American, 2.5%; 16 homozygotes.

Submission:

Evidence-based Network for the Interpretation of Germline Mutant Alleles (ENIGMA)
Classification: Benign for Breast-ovarian cancer, familial 2. Last evaluated: 2015-01-12. Review status: reviewed by expert panel. Criteria: ENIGMA BRCA1/2 Classification Criteria (2015). Collection method: curation. Allele origin: germline.
Comment: Class 1 not pathogenic based on frequency >1% in an outbred sampleset. Frequency 0.03049 (African), derived from 1000 genomes (2012-04-30).

NM_000059.4(BRCA2):c.9256+1888T>G

Gene: BRCA2 (BRCA2 DNA repair associated; plus strand). Cytogenetic location: 13q13.1.
Variant type: single nucleotide variant.
Coding change: c.9256+1888T>G on transcript NM_000059.4 (MANE Select); 1888 bases into the intron after coding-DNA position 9256, T replaced by G.
Molecular consequence: intron variant.
Genome position (GRCh38, 1-based): chr13:32,382,033, T>G. VCF-style: chr13-32382033-T-G. GRCh37 (hg19) VCF-style: chr13-32956170-T-G.
Other names: IVS 24+1888T>G.
Identifiers: ClinVar variation 209855 (VCV000209855.1), dbSNP rs11571776, ClinGen allele CA276823.
Genomic context (GRCh38, chr13:32,382,033, plus strand): 5'-TATGTGGGGAAGTTCAGGAGCTCAGTTTTAGACAGTTAAGTTTTAGATGCTTATTAGGCA[T>G]CTAAGTAGAAATGTCTACTTGATGGTTACATAGGAATCTGTTCAGAGGAATGGCTGGATA-3'